The following is an entry in ClinVar:

ClinVar aggregate classification (germline): Uncertain significance (1 of 4 stars; one submission).

Conditions:
Hereditary cancer-predisposing syndrome. Also called: Hereditary Cancer Syndrome; Hereditary neoplastic syndrome; Neoplastic Syndromes, Hereditary; Tumor predisposition. Identifiers: Orphanet 140162, MedGen C0027672, MeSH D009386, MONDO:0015356.

Submission:

Sema4
Classification: Uncertain significance for Hereditary cancer-predisposing syndrome. Last evaluated: 2022-02-22. Review status: criteria provided, single submitter. Criteria: Sema4 Curation Guidelines. Collection method: curation. Allele origin: germline.
Comment: The BARD1 c.1415G>A (p.G472E) variant has not been reported in the individuals with BARD1-related disease. This variant was not reported in the population database Genome Aggregation Database (PMID: 32461654). This variant has not been reported in ClinVar. In silico tools suggest the impact of the variant on protein function is deleterious, though these predictions have not been confirmed by functional studies. The evidence is insufficient to meet ACMG/AMP criteria for classifying the variant as benign or pathogenic. Thus, the clinical significance of this variant is currently uncertain.

NM_000465.4(BARD1):c.1415G>A (p.Gly472Glu)

Gene: BARD1 (BRCA1 associated RING domain 1; minus strand). Cytogenetic location: 2q35.
Variant type: single nucleotide variant.
Coding change: c.1415G>A on transcript NM_000465.4 (MANE Select); coding-DNA position 1415, G replaced by A.
Protein change: p.Gly472Glu; replaces glycine 472 with glutamic acid.
Molecular consequence: missense variant. On other transcripts: non-coding transcript variant (3), intron variant (3).
Genome position (GRCh38, 1-based): chr2:214,767,635, C>T on the plus strand (G>A on the coding strand, the complement: BARD1 is on the minus strand). VCF-style: chr2-214767635-C-T. GRCh37 (hg19) VCF-style: chr2-215632359-C-T.
Other names: c.1358G>A, p.Gly453Glu (NM_001282543.2); c.159-15080G>A (NM_001282548.2); c.216-15080G>A (NM_001282545.2); c.364+24662G>A (NM_001282549.2); short protein forms G453E, G472E.
Identifiers: ClinVar variation 1692444 (VCV001692444.1), dbSNP rs2106077148, ClinGen allele CA350448732.
Genomic context (GRCh38, chr2:214,767,635, plus strand): 5'-TACCCGGTGGTGTTCACCAATGCCTTATGCTGGAGCAATAATTCCACTACCTTCAGGTGC[C>T]CATGATTGCAAGCTTCATGCTAATTAAATTTTTTGAAAAAGAAGTGAAAGAAGTGATAAG-3'
Protein context (NP_000456.2, residues 462-482): WTPLHEACNH[Gly472Glu]HLKVVELLLQ